The following is an entry in ClinVar:

ClinVar aggregate classification (germline): Uncertain significance. Review status: criteria provided, multiple submitters, no conflicts (2 of 4 stars). 2 submissions from 2 submitters: Uncertain significance (2). Last evaluated 2026-01-12.

Conditions:
Proteasome-associated autoinflammatory syndrome 4. Identifiers: MedGen C5543053, MONDO:0030931, OMIM 619183.

Allele frequency attached by ClinVar (database versions not stated): ExAC 0.00001; gnomAD 0.00001; gnomAD exomes 0.00001; TOPMed 0.00001.
gnomAD v4.1: 21 of 1,595,418 alleles (0.0013%); highest among the groups gnomAD compares: Non-Finnish European, 0.0017%; no homozygotes.

Submissions (2):

Labcorp Genetics (formerly Invitae), Labcorp
Classification: Uncertain significance. Last evaluated: 2026-01-12. Review status: criteria provided, single submitter. Criteria: Invitae Variant Classification Sherloc (09022015). Collection method: clinical testing. Allele origin: germline.
Comment: This sequence change affects an acceptor splice site in intron 5 of the PSMG2 gene. It is expected to disrupt RNA splicing. Variants that disrupt the donor or acceptor splice site typically lead to a loss of protein function (PMID: 16199547), however the current clinical and genetic evidence is not sufficient to establish whether loss-of-function variants in PSMG2 cause disease. This variant is present in population databases (rs763788988, gnomAD 0.003%). This variant has not been reported in the literature in individuals affected with PSMG2-related conditions. ClinVar contains an entry for this variant (Variation ID: 1342492). Algorithms developed to predict the effect of sequence changes on RNA splicing suggest that this variant may disrupt the consensus splice site. In summary, the available evidence is currently insufficient to determine the role of this variant in disease. Therefore, it has been classified as a Variant of Uncertain Significance.

New York Genome Center
Classification: Uncertain significance for Proteasome-associated autoinflammatory syndrome 4. Last evaluated: 2021-03-26. Review status: criteria provided, single submitter. Criteria: NYGC Assertion Criteria 2020. Collection method: clinical testing. Allele origin: inherited. Observed: 1 heterozygote. Study: CSER-NYCKidSeq.

Literature cited by the submitters: PubMed 16199547 (cited by Labcorp Genetics (formerly Invitae), Labcorp).

NM_020232.5(PSMG2):c.582-1G>A

Gene: PSMG2 (proteasome assembly chaperone 2; plus strand). Cytogenetic location: 18p11.21.
Variant type: single nucleotide variant.
Coding change: c.582-1G>A on transcript NM_020232.5 (MANE Select); the canonical splice acceptor site of the intron before coding-DNA position 582, G replaced by A.
Molecular consequence: splice acceptor variant.
Genome position (GRCh38, 1-based): chr18:12,724,498, G>A. VCF-style: chr18-12724498-G-A. GRCh37 (hg19) VCF-style: chr18-12724497-G-A.
Other names: c.489-1G>A (NM_147163.2).
Identifiers: ClinVar variation 1342492 (VCV001342492.7), dbSNP rs763788988, ClinGen allele CA8898460.